The following is an entry in ClinVar:

ClinVar aggregate classification (germline): Uncertain significance (1 of 4 stars; one submission).

Submission:

Labcorp Genetics (formerly Invitae), Labcorp
Classification: Uncertain significance. Last evaluated: 2021-11-08. Review status: criteria provided, single submitter. Criteria: Invitae Variant Classification Sherloc (09022015). Collection method: clinical testing. Allele origin: germline.
Comment: This variant is not present in population databases (gnomAD no frequency). This variant has not been reported in the literature in individuals affected with CTNNA1-related conditions. Experimental studies and prediction algorithms are not available or were not evaluated, and the functional significance of this variant is currently unknown. In summary, the available evidence is currently insufficient to determine the role of this variant in disease. Therefore, it has been classified as a Variant of Uncertain Significance. This variant, c.1711_1713del, results in the deletion of 1 amino acid(s) of the CTNNA1 protein (p.Lys571del), but otherwise preserves the integrity of the reading frame.

NM_001903.5(CTNNA1):c.1711_1713del (p.Lys571del)

Gene: CTNNA1 (catenin alpha 1; plus strand). Cytogenetic location: 5q31.2.
Variant type: Deletion.
Coding change: c.1711_1713del on transcript NM_001903.5 (MANE Select); coding-DNA positions 1711 to 1713, 3 bases deleted (AAG; older notation c.1711_1713delAAG).
Protein change: p.Lys571del; deletes lysine 571.
Molecular consequence: inframe deletion.
Genome position (GRCh38, 1-based): chr5:138,924,674-138,924,676, AAG deleted; deleting any 3 consecutive bases within chr5:138,924,672-138,924,676 gives the same sequence; the c. name uses the placement nearest the transcript's 3' end. VCF-style (leftmost placement, unchanged base first): chr5-138924671-GAGA-G. GRCh37 (hg19) VCF-style: chr5-138260360-GAGA-G.
Other names: c.1711_1713del, p.Lys571del (NM_001290307.3, NM_001323982.2, NM_001323983.1 and 2 more transcripts); c.1402_1404del, p.Lys468del (NM_001290309.3); c.1342_1344del, p.Lys448del (NM_001290310.3); c.601_603del, p.Lys201del (NM_001290312.1, NM_001323987.1, NM_001323988.1 and 17 more transcripts); c.1618_1620del, p.Lys540del (NM_001323986.2); c.262_264del, p.Lys88del (NM_001324006.1, NM_001324007.1, NM_001324008.1 and 2 more transcripts); c.508_510del, p.Lys170del (NM_001324011.1); c.358_360del, p.Lys120del (NM_001324012.1, NM_001324013.1); short protein forms K120del, K448del, K468del, K88del, K201del, K540del, K170del, K571del.
Identifiers: ClinVar variation 1428756 (VCV001428756.6), dbSNP rs2150289639, ClinGen allele CA2573139160.